The following is an entry in ClinVar:

ClinVar aggregate classification (germline): Pathogenic. Review status: criteria provided, multiple submitters, no conflicts (2 of 4 stars). 5 submissions from 5 submitters: Pathogenic (5). Last evaluated 2025-03-18.

Conditions:
Hereditary nonpolyposis colorectal neoplasms. Identifiers: MedGen C0009405, MeSH D003123.
Lynch syndrome 5 (LYNCH5). Also called: Colorectal cancer, hereditary nonpolyposis, type 5; Hereditary non-polyposis colorectal cancer, type 5. Identifiers: Orphanet 144, MedGen C1833477, MONDO:0013710, OMIM 614350. Disease mechanism: loss of function.
Hereditary cancer-predisposing syndrome. Also called: Neoplastic Syndromes, Hereditary; Tumor predisposition; Hereditary Cancer Syndrome; Hereditary neoplastic syndrome. Identifiers: Orphanet 140162, MedGen C0027672, MeSH D009386, MONDO:0015356.

gnomAD v4.1: 1 of 1,582,742 alleles (0.000063%); highest among the groups gnomAD compares: Non-Finnish European, 0.000086%; no homozygotes.

Submissions (5):

Quest Diagnostics Nichols Institute San Juan Capistrano
Classification: Pathogenic. Last evaluated: 2025-03-18. Review status: criteria provided, single submitter. Criteria: Quest Diagnostics criteria. Collection method: clinical testing. Allele origin: unknown.
Comment: The MSH6 c.2931C>A (p.Tyr977*) variant causes the premature termination of MSH6 protein synthesis. In the published literature, this variant has been reported in a cohort of individuals with a personal and/or family history of Lynch syndrome (PMID: 38722212 (2024)). The same premature stop codon caused by a different variant, c.2931C>G (p.Tyr977*), has also been identified in multiple individuals with colorectal cancer and/or Lynch syndrome (PMIDs: 31118792 (2019), 28944238 (2017), 25142776 (2015), 16283884 (2005)). The c.2931C>A (p.Tyr977*) variant has not been reported in large, multi-ethnic general populations (Genome Aggregation Database). Based on the available information, this variant is classified as pathogenic.

Ambry Genetics
Classification: Pathogenic for Hereditary cancer-predisposing syndrome. Last evaluated: 2025-01-30. Review status: criteria provided, single submitter. Criteria: Ambry Variant Classification Scheme 2023. Collection method: clinical testing. Allele origin: germline.
Comment: The p.Y977* pathogenic mutation (also known as c.2931C>A), located in coding exon 4 of the MSH6 gene, results from a C to A substitution at nucleotide position 2931. This changes the amino acid from a tyrosine to a stop codon within coding exon 4. An alteration resulting in the same stop codon, p.Y977* (c.2931C>G), has been reported in two large unrelated Swedish HNPCC families in which the probands had a personal history of both colon and endometrial cancers. Authors reported this alteration as a Swedish founder mutation (Cederquist K et al. Int J Cancer. 2004 Apr 10;109(3):370-6; Cederquist K et al. Clin Genet. 2005 Dec;68(6):533-41). This variant is considered to be rare based on population cohorts in the Genome Aggregation Database (gnomAD). In addition to the clinical data presented in the literature, this alteration is expected to result in loss of function by premature protein truncation or nonsense-mediated mRNA decay. As such, this alteration is interpreted as a disease-causing mutation.

Labcorp Genetics (formerly Invitae), Labcorp
Classification: Pathogenic for Hereditary nonpolyposis colorectal neoplasms. Last evaluated: 2024-03-06. Review status: criteria provided, single submitter. Criteria: Invitae Variant Classification Sherloc (09022015). Collection method: clinical testing. Allele origin: germline.
Comment: This sequence change creates a premature translational stop signal (p.Tyr977*) in the MSH6 gene. It is expected to result in an absent or disrupted protein product. Loss-of-function variants in MSH6 are known to be pathogenic (PMID: 18269114, 24362816). This variant is not present in population databases (gnomAD no frequency). This premature translational stop signal has been observed in individual(s) with clinical features of Lynch syndrome (PMID: 14961575, 25142776, 27601186, 28944238). ClinVar contains an entry for this variant (Variation ID: 483782). For these reasons, this variant has been classified as Pathogenic.

Myriad Genetics, Inc.
Classification: Pathogenic for Lynch syndrome 5. Last evaluated: 2023-08-21. Review status: criteria provided, single submitter. Criteria: Myriad Autosomal Dominant, Autosomal Recessive and X-Linked Classification Criteria (2023). Collection method: clinical testing. Allele origin: unknown.
Comment: This variant is considered pathogenic. This variant creates a termination codon and is predicted to result in premature protein truncation.

Color Diagnostics, LLC DBA Color Health
Classification: Pathogenic for Hereditary cancer-predisposing syndrome. Last evaluated: 2020-02-06. Review status: criteria provided, single submitter. Criteria: ACMG Guidelines, 2015. Collection method: clinical testing. Allele origin: germline.
Comment: This variant changes 1 nucleotide in exon 4 of the MSH6 gene, creating a premature translation stop signal. This variant is expected to result in an absent or non-functional protein product. Splice site prediction tools suggest that this variant may not impact RNA splicing. To our knowledge, functional studies have not been performed for this variant. While this variant has not been reported in individuals affected with hereditary cancer in the literature, a different variant (c.2931C>G) resulting in the same protein effect has been reported in many individuals affected with Lynch syndrome-related cancers (PMID: 14961575, 16283884, 25142776, 25318681, 27601186, 28944238, 31118792). This variant has not been identified in the general population by the Genome Aggregation Database (gnomAD). Loss of MSH6 function is a known mechanism of disease. Based on the available evidence, this variant is classified as Pathogenic.

Literature cited by the submitters: PubMed 38722212 (cited by Quest Diagnostics Nichols Institute San Juan Capistrano); PubMed 31118792 (cited by Quest Diagnostics Nichols Institute San Juan Capistrano); PubMed 28944238 (cited by Quest Diagnostics Nichols Institute San Juan Capistrano and Labcorp Genetics (formerly Invitae), Labcorp); PubMed 25142776 (cited by Quest Diagnostics Nichols Institute San Juan Capistrano and Labcorp Genetics (formerly Invitae), Labcorp); PubMed 16283884 (cited by Quest Diagnostics Nichols Institute San Juan Capistrano); PubMed 18269114 (cited by Labcorp Genetics (formerly Invitae), Labcorp); PubMed 24362816 (cited by Labcorp Genetics (formerly Invitae), Labcorp); PubMed 14961575 (cited by Labcorp Genetics (formerly Invitae), Labcorp); PubMed 27601186 (cited by Labcorp Genetics (formerly Invitae), Labcorp).

NM_000179.3(MSH6):c.2931C>A (p.Tyr977Ter)

Gene: MSH6 (mutS homolog 6; plus strand). Cytogenetic location: 2p16.3.
Variant type: single nucleotide variant.
Coding change: c.2931C>A on transcript NM_000179.3 (MANE Select); coding-DNA position 2931, C replaced by A.
Protein change: p.Tyr977Ter; replaces tyrosine 977 with a stop codon.
Molecular consequence: nonsense.
Genome position (GRCh38, 1-based): chr2:47,800,914, C>A. VCF-style: chr2-47800914-C-A. GRCh37 (hg19) VCF-style: chr2-48028053-C-A.
Other names: c.2541C>A, p.Tyr847Ter (NM_001281492.2); c.2025C>A, p.Tyr675Ter (NM_001281493.2, NM_001281494.2); short protein forms Y977*, Y847*, Y675*.
Identifiers: ClinVar variation 483782 (VCV000483782.18), dbSNP rs63750111, ClinGen allele CA346756202.